The following is an entry in ClinVar:

NM_001394998.1(TANC2):c.29T>G (p.Leu10Arg)

Gene: TANC2 (tetratricopeptide repeat, ankyrin repeat and coiled-coil containing 2; plus strand). Cytogenetic location: 17q23.2.
Variant type: single nucleotide variant.
Coding change: c.29T>G on transcript NM_001394998.1 (MANE Select); coding-DNA position 29, T replaced by G.
Protein change: p.Leu10Arg; replaces leucine 10 with arginine.
Molecular consequence: missense variant.
Genome position (GRCh38, 1-based): chr17:63,009,588, T>G. VCF-style: chr17-63009588-T-G. GRCh37 (hg19) VCF-style: chr17-61086949-T-G.
Other names: c.29T>G, p.Leu10Arg (NM_001411076.1, NM_025185.4); short protein forms L10R.
Identifiers: ClinVar variation 2576746 (VCV002576746.1), dbSNP rs2033773893, ClinGen allele CA400791407.
Genomic context (GRCh38, chr17:63,009,588, plus strand): 5'-CTTTTACAGTTTTGCAGTAGAAGAGTATAACCATGTTTCGGAATAGTCTCAAGATGCTGC[T>G]TACTGGTGGGAAATCAAGTCGTAAAAACAGGTCAAGTGGTAAGTGACTATGCTACATTTA-3'
Protein context (NP_001381927.1, residues 1-20): MFRNSLKML[Leu10Arg]TGGKSSRKNR

ClinVar aggregate classification (germline): Uncertain significance (1 of 4 stars; one submission).

Allele frequency attached by ClinVar (database versions not stated): gnomAD exomes below 0.00001; TOPMed below 0.00001.

Submission:

GeneDx
Classification: Uncertain significance. Last evaluated: 2023-02-20. Review status: criteria provided, single submitter. Criteria: GeneDx Variant Classification Process June 2021. Collection method: clinical testing. Allele origin: germline. Affected: yes.
Comment: Not observed at significant frequency in large population cohorts (gnomAD); In silico analysis supports that this missense variant does not alter protein structure/function; Has not been previously published as pathogenic or benign to our knowledge